The following is an entry in ClinVar:

NM_001395656.1(ROBO2):c.3611C>G (p.Pro1204Arg)

Gene: ROBO2 (roundabout guidance receptor 2; plus strand). Cytogenetic location: 3p12.3.
Variant type: single nucleotide variant.
Coding change: c.3611C>G on transcript NM_001395656.1 (MANE Select); coding-DNA position 3611, C replaced by G.
Protein change: p.Pro1204Arg; replaces proline 1204 with arginine.
Molecular consequence: missense variant.
Genome position (GRCh38, 1-based): chr3:77,622,271, C>G. VCF-style: chr3-77622271-C-G. GRCh37 (hg19) VCF-style: chr3-77671422-C-G.
Other names: c.3647C>G, p.Pro1216Arg (NM_001128929.3); c.3611C>G, p.Pro1204Arg (NM_001290039.2, NM_001290040.2); c.1820C>G, p.Pro607Arg (NM_001290065.2); c.3659C>G, p.Pro1220Arg (NM_001378190.1, NM_001378200.1, NM_001378201.1 and 1 more transcripts); c.3785C>G, p.Pro1262Arg (NM_001378191.1, NM_001378195.1, NM_001378196.1); c.3680C>G, p.Pro1227Arg (NM_001378192.1, NM_001378198.1, NM_001378199.1); c.3599C>G, p.Pro1200Arg (NM_001378193.1, NM_002942.5); c.3797C>G, p.Pro1266Arg (NM_001378194.1); and 5 more; short protein forms P1200R, P1220R, P1223R, P1242R, P1266R, P1216R, P1265R, P1269R.
Identifiers: ClinVar variation 3781033 (VCV003781033.1).

ClinVar aggregate classification (germline): Uncertain significance (1 of 4 stars; one submission).

Submission:

GeneDx
Classification: Uncertain significance. Last evaluated: 2024-10-21. Review status: criteria provided, single submitter. Criteria: GeneDx Variant Classification Process June 2021. Collection method: clinical testing. Allele origin: germline. Affected: yes.
Comment: Not observed at significant frequency in large population cohorts (gnomAD); In silico analysis supports that this missense variant has a deleterious effect on protein structure/function; Has not been previously published as pathogenic or benign to our knowledge